The following is an entry in ClinVar:

ClinVar aggregate classification (germline): Pathogenic/Likely pathogenic. Review status: criteria provided, multiple submitters, no conflicts (2 of 4 stars). 4 submissions from 4 submitters: Pathogenic (3); Likely pathogenic (1). Last evaluated 2026-05-15.

Conditions:
Hereditary cancer-predisposing syndrome. Also called: Neoplastic Syndromes, Hereditary; Hereditary Cancer Syndrome; Tumor predisposition; Hereditary neoplastic syndrome. Identifiers: Orphanet 140162, MedGen C0027672, MeSH D009386, MONDO:0015356.
Peutz-Jeghers syndrome (PJS). Also called: Peutz-Jeghers polyposis; Periorificial lentiginosis syndrome; POLYPOSIS, HAMARTOMATOUS INTESTINAL; POLYPS-AND-SPOTS SYNDROME. Identifiers: Orphanet 2869, MedGen C0031269, MeSH D010580, MONDO:0008280, OMIM 175200.

Submissions (4):

Ambry Genetics
Classification: Pathogenic for Hereditary cancer-predisposing syndrome. Last evaluated: 2026-05-15. Review status: criteria provided, single submitter. Criteria: Ambry Variant Classification Scheme 2023. Collection method: clinical testing. Allele origin: germline.
Comment: The c.179dupA pathogenic mutation, located in coding exon 1 of the STK11 gene, results from a duplication of A at nucleotide position 179, causing a translational frameshift with a predicted alternate stop codon (p.Y60*). This variant was reported in individual(s) with features consistent with Peutz-Jeghers syndrome (Aretz S et al. Hum Mutat, 2005 Dec;26:513-9). (Gu GL et al. World J Gastroenterol, 2021 Oct;27:6631-6646; Ambry internal data). This variant is considered to be rare based on population cohorts in the Genome Aggregation Database (gnomAD). This alteration is expected to result in loss of function by premature protein truncation or nonsense-mediated mRNA decay. As such, this alteration is interpreted as a disease-causing mutation.

Genome-Nilou Lab
Classification: Likely pathogenic for Peutz-Jeghers syndrome. Last evaluated: 2021-07-15. Review status: criteria provided, single submitter. Criteria: ACMG Guidelines, 2015. Collection method: clinical testing. Allele origin: germline. Affected: no.

GeneDx
Classification: Pathogenic. Last evaluated: 2018-02-26. Review status: criteria provided, single submitter. Criteria: GeneDx Variant Classification (06012015). Collection method: clinical testing. Allele origin: germline. Affected: yes.
Comment: This duplication of one nucleotide is denoted STK11 c.179dupA at the cDNA level and p.Tyr60Ter (Y60X) at the protein level. The normal sequence, with the base that is duplicated in brackets, is TCTT[dupA]CGGC. The duplication creates a nonsense variant, which changes a Tyrosine to a premature stop codon. This variant is predicted to cause loss of normal protein function through either protein truncation or nonsense-mediated mRNA decay. STK11 c.179dupA has been observed in individuals reported as having Peutz-Jeghers syndrome (Aretz 2005, Salloch 2010, Wang 2014). Additionally, the adjacent variants STK11 c.180C>G and c.180C>A, which also result in a premature stop codon at this residue (p.Tyr60Ter), have been reported in several individuals meeting clinical diagnostic criteria for Peutz-Jeghers syndrome (Wang 1999, Olschwang 2001, Lim 2003, Zhao 2012, Li 2017). We therefore consider STK11 c.179dupA to be pathogenic.

Quest Diagnostics Nichols Institute San Juan Capistrano
Classification: Pathogenic. Last evaluated: 2017-01-07. Review status: criteria provided, single submitter. Criteria: Quest Diagnostics criteria. Collection method: clinical testing. Allele origin: germline.

Literature cited by the submitters: PubMed 16287113 (cited by Ambry Genetics and Quest Diagnostics Nichols Institute San Juan Capistrano); PubMed 34754157 (cited by Ambry Genetics); PubMed 17026623 (cited by Quest Diagnostics Nichols Institute San Juan Capistrano); PubMed 19727776 (cited by Quest Diagnostics Nichols Institute San Juan Capistrano); PubMed 22679258 (cited by Quest Diagnostics Nichols Institute San Juan Capistrano).

NM_000455.5(STK11):c.179dup (p.Tyr60Ter)

Gene: STK11 (serine/threonine kinase 11; plus strand). Cytogenetic location: 19p13.3.
Variant type: Duplication.
Coding change: c.179dup on transcript NM_000455.5 (MANE Select); coding-DNA position 179, one base duplicated (A; older notation c.179dupA).
Protein change: p.Tyr60Ter; replaces tyrosine 60 with a stop codon.
Molecular consequence: nonsense.
Genome position (GRCh38, 1-based): chr19:1,207,092, A duplicated. VCF-style (leftmost placement, unchanged base first): chr19-1207091-T-TA. GRCh37 (hg19) VCF-style: chr19-1207090-T-TA.
Other names: c.179dupA (NM_000455.4); short protein forms Y60*.
Identifiers: ClinVar variation 234416 (VCV000234416.6), dbSNP rs876661012, ClinGen allele CA10577593.